The following is an entry in ClinVar:

ClinVar aggregate classification (germline): Pathogenic. Review status: criteria provided, multiple submitters, no conflicts (2 of 4 stars). 2 submissions from 2 submitters: Pathogenic (2). Last evaluated 2023-01-09.

Conditions:
Hereditary breast ovarian cancer syndrome. Also called: Hereditary breast and/or ovarian cancer syndrome; BRCA1- and BRCA2-Associated Hereditary Breast and Ovarian Cancer; Breast and ovarian cancer; Hereditary breast and ovarian cancer; Hereditary breast and ovarian cancer syndrome; Hereditary breast and ovarian cancer syndrome (HBOC). Identifiers: Orphanet 145, MedGen C0677776, MeSH D061325, MONDO:0003582. Disease mechanism: loss of function.
Hereditary cancer-predisposing syndrome. Also called: Hereditary neoplastic syndrome; Tumor predisposition; Hereditary Cancer Syndrome; Neoplastic Syndromes, Hereditary. Identifiers: Orphanet 140162, MedGen C0027672, MeSH D009386, MONDO:0015356.

Submissions (2):

Labcorp Genetics (formerly Invitae), Labcorp
Classification: Pathogenic for Hereditary breast ovarian cancer syndrome. Last evaluated: 2023-01-09. Review status: criteria provided, single submitter. Criteria: Invitae Variant Classification Sherloc (09022015). Collection method: clinical testing. Allele origin: germline.
Comment: This sequence change creates a premature translational stop signal (p.Glu1254Valfs*19) in the BRCA2 gene. It is expected to result in an absent or disrupted protein product. Loss-of-function variants in BRCA2 are known to be pathogenic (PMID: 20104584). For these reasons, this variant has been classified as Pathogenic. ClinVar contains an entry for this variant (Variation ID: 491259). This variant is also known as 3989del4ins45. This variant has not been reported in the literature in individuals affected with BRCA2-related conditions. This variant is not present in population databases (gnomAD no frequency).

Color Diagnostics, LLC DBA Color Health
Classification: Pathogenic for Hereditary cancer-predisposing syndrome. Last evaluated: 2017-10-10. Review status: criteria provided, single submitter. Criteria: ACMG Guidelines, 2015. Collection method: clinical testing. Allele origin: germline.

Literature cited by the submitters: PubMed 20104584 (cited by Labcorp Genetics (formerly Invitae), Labcorp).

NC_000013.11:g.32338116_32338119delinsTTTATCTTCAAGTAAGTTTATCTTCAAGTAAATATCTTCAAGTAA

Gene: BRCA2 (BRCA2 DNA repair associated; plus strand). Cytogenetic location: 13q13.1.
Variant type: Indel.
Genome position: GRCh38: chr13:32,338,116-32,338,119. GRCh37 (hg19): chr13:32,912,253-32,912,256.
Other names: c.3761_3764delinsTTTATCTTCAAGTAAGTTTATCTTCAAGTAAATATCTTCAAGTAA, p.Glu1254fs (LRG_293t1).
Identifiers: ClinVar variation 491259 (VCV000491259.9), dbSNP rs1555283391, ClinGen allele CA658683870.